The following is an entry in ClinVar:

ClinVar aggregate classification (germline): Uncertain significance (1 of 4 stars; one submission).

Submission:

Women's Health and Genetics/Laboratory Corporation of America, LabCorp
Classification: Uncertain significance. Last evaluated: 2026-05-28. Review status: criteria provided, single submitter. Criteria: LabCorp Variant Classification Summary - May 2015. Collection method: clinical testing. Allele origin: germline.
Comment: Variant summary: The variant involves the deletion of exon 4 in the MBD5 gene. A presumed nomenclature of c.(-831+1_-830-1)_(-680+1_-679-1)del has been designated for the purposes of this classification. This Copy Number Variant (CNV) is predicted to result in a deletion of an exon contained entirely within the 5' untranslated region of the gene, therefore its impact on the MBD5 protein cannot be determined. To our knowledge, no occurrence of c.(-831+1_-830-1)_(-680+1_-679-1)del in individuals affected with MBD5-related conditions and no experimental evidence demonstrating its impact on protein function have been reported. No submitters have cited clinical-significance assessments for this variant to ClinVar. Based on the evidence outlined above, the variant was classified as uncertain significance.

NC_000002.11:g.(148936363_148990813)_(148990965_149099782)del

Gene: MBD5 (methyl-CpG binding domain protein 5; plus strand). Cytogenetic location: 2q23.1.
Variant type: Deletion.
Identifiers: ClinVar variation 4853415 (VCV004853415.1).